The following is an entry in ClinVar:

ClinVar aggregate classification (germline): Uncertain significance (1 of 4 stars; one submission).

Conditions:
Primary ciliary dyskinesia. Also called: Ciliary dyskinesia. Identifiers: Orphanet 244, MedGen C0008780, MONDO:0016575, HP:0012265.

Submission:

Labcorp Genetics (formerly Invitae), Labcorp
Classification: Uncertain significance for Primary ciliary dyskinesia. Last evaluated: 2019-10-21. Review status: criteria provided, single submitter. Criteria: Invitae Variant Classification Sherloc (09022015). Collection method: clinical testing. Allele origin: germline.
Comment: This sequence change disrupts the translational stop signal of the DNAH11 mRNA. It is expected to extend the length of the DNAH11 protein by 7 additional amino acid residues. This variant is not present in population databases (ExAC no frequency). This variant has not been reported in the literature in individuals with DNAH11-related conditions. Algorithms developed to predict the effect of sequence changes on RNA splicing suggest that this variant may create or strengthen a splice site, but this prediction has not been confirmed by published transcriptional studies. In summary, the available evidence is currently insufficient to determine the role of this variant in disease. Therefore, it has been classified as a Variant of Uncertain Significance.

NM_001277115.2(DNAH11):c.13527_13547dup (p.Ala4516_Ter4517insValAlaLeuLeuLeuGluAla)

Genes: CDCA7L (cell division cycle associated 7 like; minus strand), DNAH11 (dynein axonemal heavy chain 11; plus strand). Cytogenetic location: 7p15.3.
Variant type: Duplication.
Coding change: c.13527_13547dup on transcript NM_001277115.2 (MANE Select); coding-DNA positions 13527 to 13547, 21 bases duplicated (AGTGGCTCTGCTTCTAGAAGC).
Protein change: p.Ala4516_Ter4517insValAlaLeuLeuLeuGluAla.
Molecular consequence: inframe insertion. On other transcripts: 3 prime UTR variant (3).
Genome position (GRCh38, 1-based): chr7:21,901,230-21,901,250, AGTGGCTCTGCTTCTAGAAGC duplicated. VCF-style (leftmost placement, unchanged base first): chr7-21901229-G-GAGTGGCTCTGCTTCTAGAAGC. GRCh37 (hg19) VCF-style: chr7-21940847-G-GAGTGGCTCTGCTTCTAGAAGC.
Other names: c.*1072_*1092dup (NM_001127370.3, NM_001127371.3, NM_018719.5).
Identifiers: ClinVar variation 957148 (VCV000957148.8), dbSNP rs1784815114, ClinGen allele CA1139659994.